The following is an entry in ClinVar:

ClinVar aggregate classification (germline): Uncertain significance (1 of 4 stars; one submission).

Conditions:
LAMA2-related muscular dystrophy (LAMA2-RD). Also called: Laminin alpha 2-related dystrophy. Identifiers: MedGen C5679788, MONDO:0100228.

Submission:

Labcorp Genetics (formerly Invitae), Labcorp
Classification: Uncertain significance for LAMA2-related muscular dystrophy. Last evaluated: 2022-06-20. Review status: criteria provided, single submitter. Criteria: Invitae Variant Classification Sherloc (09022015). Collection method: clinical testing. Allele origin: germline.
Comment: In summary, the available evidence is currently insufficient to determine the role of this variant in disease. Therefore, it has been classified as a Variant of Uncertain Significance. Advanced modeling of protein sequence and biophysical properties (such as structural, functional, and spatial information, amino acid conservation, physicochemical variation, residue mobility, and thermodynamic stability) performed at Invitae indicates that this missense variant is expected to disrupt LAMA2 protein function. This variant has not been reported in the literature in individuals affected with LAMA2-related conditions. This variant is not present in population databases (gnomAD no frequency). This sequence change replaces cysteine, which is neutral and slightly polar, with phenylalanine, which is neutral and non-polar, at codon 759 of the LAMA2 protein (p.Cys759Phe).

NM_000426.4(LAMA2):c.2276G>T (p.Cys759Phe)

Gene: LAMA2 (laminin subunit alpha 2; plus strand). Cytogenetic location: 6q22.33.
Variant type: single nucleotide variant.
Coding change: c.2276G>T on transcript NM_000426.4 (MANE Select); coding-DNA position 2276, G replaced by T.
Protein change: p.Cys759Phe; replaces cysteine 759 with phenylalanine.
Molecular consequence: missense variant.
Genome position (GRCh38, 1-based): chr6:129,267,173, G>T. VCF-style: chr6-129267173-G-T. GRCh37 (hg19) VCF-style: chr6-129588318-G-T.
Other names: c.2276G>T, p.Cys759Phe (NM_001079823.2); short protein forms C759F.
Identifiers: ClinVar variation 1441492 (VCV001441492.6), dbSNP rs2114345093, ClinGen allele CA365608863.